The following is an entry in ClinVar:

ClinVar aggregate classification (germline): Uncertain significance (1 of 4 stars; one submission).

gnomAD v4.1: 1 of 1,613,766 alleles (0.000062%); highest among the groups gnomAD compares: African/African-American, 0.0013%; no homozygotes.

Submission:

GeneDx
Classification: Uncertain significance. Last evaluated: 2025-04-24. Review status: criteria provided, single submitter. Criteria: GeneDx Variant Classification Process June 2021. Collection method: clinical testing. Allele origin: germline. Affected: yes.
Comment: Not observed at significant frequency in large population cohorts (gnomAD); In silico analysis indicates that this missense variant does not alter protein structure/function; This variant is associated with the following publications: (PMID: 21689662, 17129366)

NM_000311.5(PRNP):c.578C>T (p.Thr193Ile)

Gene: PRNP (prion protein (Kanno blood group); plus strand). Cytogenetic location: 20p13.
Variant type: single nucleotide variant.
Coding change: c.578C>T on transcript NM_000311.5 (MANE Select); coding-DNA position 578, C replaced by T.
Protein change: p.Thr193Ile; replaces threonine 193 with isoleucine.
Molecular consequence: missense variant. On other transcripts: 3 prime UTR variant (1).
Genome position (GRCh38, 1-based): chr20:4,699,798, C>T. VCF-style: chr20-4699798-C-T. GRCh37 (hg19) VCF-style: chr20-4680444-C-T.
Other names: c.578C>T, p.Thr193Ile (NM_001080121.3, NM_001080122.3, NM_001080123.3 and 1 more transcripts); c.*267C>T (NM_001271561.3); short protein forms T193I.
Identifiers: ClinVar variation 4528249 (VCV004528249.1).